The following is an entry in ClinVar:

NM_015021.3(ZNF292):c.7043T>C (p.Ile2348Thr)

Gene: ZNF292 (zinc finger protein 292; plus strand). Cytogenetic location: 6q14.3.
Variant type: single nucleotide variant.
Coding change: c.7043T>C on transcript NM_015021.3 (MANE Select); coding-DNA position 7043, T replaced by C.
Protein change: p.Ile2348Thr; replaces isoleucine 2348 with threonine.
Molecular consequence: missense variant.
Genome position (GRCh38, 1-based): chr6:87,260,672, T>C. VCF-style: chr6-87260672-T-C. GRCh37 (hg19) VCF-style: chr6-87970390-T-C.
Other names: c.6623T>C, p.Ile2208Thr (NM_001351444.2); short protein forms I2208T, I2348T.
Identifiers: ClinVar variation 2579481 (VCV002579481.1), dbSNP rs3812131, ClinGen allele CA364942396.

ClinVar aggregate classification (germline): Conflicting classifications of pathogenicity. Review status: criteria provided, conflicting classifications (1 of 4 stars). 2 submissions from 2 submitters: Uncertain significance (1); Likely benign (1). Last evaluated 2026-04-04.

Conditions:
Intellectual developmental disorder, autosomal dominant 64. Also called: MENTAL RETARDATION, AUTOSOMAL DOMINANT 64. Identifiers: MedGen C5543067, MONDO:0030934, OMIM 619188.

Submissions (2):

Centre for Medical Genetics,  Mumbai
Classification: Likely benign for Intellectual developmental disorder, autosomal dominant 64. Last evaluated: 2026-04-04. Review status: criteria provided, single submitter. Criteria: ACMG Guidelines, 2015. Collection method: provider interpretation. Allele origin: germline. Inheritance: Autosomal dominant inheritance. Affected: no. Observed: 1 variant allele, 1 heterozygote.
Comment: The variant satisfies PM2 criteria; Extremely low frequency in gnomAD population databases. The variant satisfies BP4 criteria; For a missense or a splice region variant, computational prediction tools unanimously support a benign effect on the gene. However, the variant satisfies BS2 criteria.

GeneDx
Classification: Uncertain significance. Last evaluated: 2023-03-09. Review status: criteria provided, single submitter. Criteria: GeneDx Variant Classification Process June 2021. Collection method: clinical testing. Allele origin: germline. Affected: yes.
Comment: Not observed at significant frequency in large population cohorts (gnomAD); In silico analysis supports that this missense variant does not alter protein structure/function; Has not been previously published as pathogenic or benign to our knowledge

Literature cited by the submitters: PubMed 31723249 (cited by Centre for Medical Genetics,  Mumbai).